The following is an entry in ClinVar:

ClinVar aggregate classification (germline): Pathogenic/Likely pathogenic. Review status: criteria provided, multiple submitters, no conflicts (2 of 4 stars). 3 submissions from 3 submitters: Pathogenic (2); Likely pathogenic (1). Last evaluated 2024-01-01.

Conditions:
AFG3L2-related disorder. Also called: AFG3L2-related condition.

Allele frequency attached by ClinVar (database versions not stated): gnomAD exomes 0.00004; TOPMed 0.00008; gnomAD 0.00009 and 0.00010.
gnomAD v4.1: 25 of 1,613,320 alleles (0.0015%); highest among the groups gnomAD compares: Admixed American, 0.035%; no homozygotes.

Submissions (3):

CeGaT Center for Human Genetics Tuebingen
Classification: Pathogenic. Last evaluated: 2024-01-01. Review status: criteria provided, single submitter. Criteria: CeGaT Center For Human Genetics Tuebingen Variant Classification Criteria Version 2. Collection method: clinical testing. Allele origin: germline. Affected: yes. Observed: 1 variant allele.
Comment: AFG3L2: PVS1, PM2:Supporting, PS4:Supporting

Blueprint Genetics
Classification: Likely pathogenic for AFG3L2-related disorders. Last evaluated: 2023-10-23. Review status: criteria provided, single submitter. Criteria: ACMG Guidelines, 2015. Collection method: clinical testing. Allele origin: germline. Affected: yes. Observed: 1 variant allele.

Labcorp Genetics (formerly Invitae), Labcorp
Classification: Pathogenic. Last evaluated: 2022-07-28. Review status: criteria provided, single submitter. Criteria: Invitae Variant Classification Sherloc (09022015). Collection method: clinical testing. Allele origin: germline.
Comment: This sequence change creates a premature translational stop signal (p.Arg41*) in the AFG3L2 gene. It is expected to result in an absent or disrupted protein product. Loss-of-function variants in AFG3L2 are known to be pathogenic (PMID: 32248051). This variant is present in population databases (no rsID available, gnomAD 0.02%). This premature translational stop signal has been observed in individual(s) with autosomal dominant cerebellar ataxia (PMID: 29482223). ClinVar contains an entry for this variant (Variation ID: 1021242). For these reasons, this variant has been classified as Pathogenic.

Literature cited by the submitters: PubMed 32248051 (cited by Labcorp Genetics (formerly Invitae), Labcorp); PubMed 29482223 (cited by Labcorp Genetics (formerly Invitae), Labcorp).

NM_006796.3(AFG3L2):c.121C>T (p.Arg41Ter)

Gene: AFG3L2 (AFG3 like matrix AAA peptidase subunit 2; minus strand). Cytogenetic location: 18p11.21.
Variant type: single nucleotide variant.
Coding change: c.121C>T on transcript NM_006796.3 (MANE Select); coding-DNA position 121, C replaced by T.
Protein change: p.Arg41Ter; replaces arginine 41 with a stop codon.
Molecular consequence: nonsense.
Genome position (GRCh38, 1-based): chr18:12,371,685, G>A on the plus strand (C>T on the coding strand, the complement: AFG3L2 is on the minus strand). VCF-style: chr18-12371685-G-A. GRCh37 (hg19) VCF-style: chr18-12371684-G-A.
Other names: short protein forms R41*.
Identifiers: ClinVar variation 1021242 (VCV001021242.31), dbSNP rs1324490374, ClinGen allele CA401955415.
Genomic context (GRCh38, chr18:12,371,685, plus strand): 5'-CAGCAATTATATCTGTCAAAAGAGAATTTCTGCTGGCCCTTGCTTGAGTTGTAACAAATC[G>A]GTAAAGCTGCAACAAGACATAAAAATAAAACCATAGTTATATCAAGATAAAAAACTTAAA-3'